The following is an entry in ClinVar:

ClinVar aggregate classification (germline): Uncertain significance. Review status: criteria provided, multiple submitters, no conflicts (2 of 4 stars). 3 submissions from 3 submitters: Uncertain significance (3). Last evaluated 2025-09-27.

Conditions:
Inborn genetic diseases. Identifiers: MedGen C0950123, MeSH D030342.
Greenberg dysplasia (GRBGD). Also called: CHONDRODYSTROPHY, HYDROPIC AND PRENATALLY LETHAL TYPE; HEM SKELETAL DYSPLASIA; MOTH-EATEN SKELETAL DYSPLASIA. Identifiers: Orphanet 1426, MedGen C2931048, MONDO:0008974, OMIM 215140.

Allele frequency attached by ClinVar (database versions not stated): ExAC 0.00008; TOPMed 0.00011; gnomAD exomes 0.00012 and 0.00031; gnomAD 0.00014 and 0.00015; ESP Exome Variant Server 0.00015; 1000 Genomes Project 30x 0.00016; 1000 Genomes Project 0.00020.
gnomAD v4.1: 467 of 1,614,162 alleles (0.029%); highest among the groups gnomAD compares: Non-Finnish European, 0.038%; no homozygotes.

Submissions (3):

Labcorp Genetics (formerly Invitae), Labcorp
Classification: Uncertain significance. Last evaluated: 2025-09-27. Review status: criteria provided, single submitter. Criteria: Invitae Variant Classification Sherloc (09022015). Collection method: clinical testing. Allele origin: germline.
Comment: This sequence change replaces proline, which is neutral and non-polar, with leucine, which is neutral and non-polar, at codon 248 of the LBR protein (p.Pro248Leu). This variant is present in population databases (rs140008883, gnomAD 0.02%). This variant has not been reported in the literature in individuals affected with LBR-related conditions. ClinVar contains an entry for this variant (Variation ID: 875143). Invitae Evidence Modeling of protein sequence and biophysical properties (such as structural, functional, and spatial information, amino acid conservation, physicochemical variation, residue mobility, and thermodynamic stability) indicates that this missense variant is not expected to disrupt LBR protein function with a negative predictive value of 80%. In summary, the available evidence is currently insufficient to determine the role of this variant in disease. Therefore, it has been classified as a Variant of Uncertain Significance.

Ambry Genetics
Classification: Uncertain significance for Inborn genetic diseases. Last evaluated: 2025-01-15. Review status: criteria provided, single submitter. Criteria: Ambry Variant Classification Scheme 2023. Collection method: clinical testing. Allele origin: germline.

Illumina Laboratory Services, Illumina
Classification: Uncertain significance for Greenberg dysplasia. Last evaluated: 2018-01-13. Review status: criteria provided, single submitter. Criteria: ICSL Variant Classification Criteria 13 December 2019. Collection method: clinical testing. Allele origin: germline.

NM_002296.4(LBR):c.743C>T (p.Pro248Leu)

Gene: LBR (lamin B receptor; minus strand). Cytogenetic location: 1q42.12.
Variant type: single nucleotide variant.
Coding change: c.743C>T on transcript NM_002296.4 (MANE Select); coding-DNA position 743, C replaced by T.
Protein change: p.Pro248Leu; replaces proline 248 with leucine.
Molecular consequence: missense variant.
Genome position (GRCh38, 1-based): chr1:225,418,078, G>A on the plus strand (C>T on the coding strand, the complement: LBR is on the minus strand). VCF-style: chr1-225418078-G-A. GRCh37 (hg19) VCF-style: chr1-225605780-G-A.
Other names: c.743C>T, p.Pro248Leu (NM_194442.3); short protein forms P248L.
Identifiers: ClinVar variation 875143 (VCV000875143.13), dbSNP rs140008883, ClinGen allele CA1417385.